The following is an entry in ClinVar:

NM_001378457.1(DMXL2):c.8581G>T (p.Ala2861Ser)

Gene: DMXL2 (Dmx like 2; minus strand). Cytogenetic location: 15q21.2.
Variant type: single nucleotide variant.
Coding change: c.8581G>T on transcript NM_001378457.1 (MANE Select); coding-DNA position 8581, G replaced by T.
Protein change: p.Ala2861Ser; replaces alanine 2861 with serine.
Molecular consequence: missense variant. On other transcripts: non-coding transcript variant (2).
Genome position (GRCh38, 1-based): chr15:51,455,174, C>A on the plus strand (G>T on the coding strand, the complement: DMXL2 is on the minus strand). VCF-style: chr15-51455174-C-A. GRCh37 (hg19) VCF-style: chr15-51747371-C-A.
Other names: c.6607G>T, p.Ala2203Ser (NM_001174117.3); c.8578G>T, p.Ala2860Ser (NM_001378458.1); c.8293G>T, p.Ala2765Ser (NM_001378459.1); c.6496G>T, p.Ala2166Ser (NM_001378460.1); c.8515G>T, p.Ala2839Ser (NM_015263.5); c.8518G>T, p.Ala2840Ser (NM_001174116.3); short protein forms A2166S, A2203S, A2765S, A2839S, A2840S, A2860S, A2861S.
Identifiers: ClinVar variation 4875210 (VCV004875210.2).

ClinVar aggregate classification (germline): Uncertain significance (1 of 4 stars; one submission).

gnomAD v4.1: 1 of 1,614,022 alleles (0.000062%); highest among the groups gnomAD compares: Non-Finnish European, 0.000085%; no homozygotes.

Submission:

CeGaT Center for Human Genetics Tuebingen
Classification: Uncertain significance. Last evaluated: 2026-06-01. Review status: criteria provided, single submitter. Criteria: CeGaT Center For Human Genetics Tuebingen Variant Classification Criteria Version 2. Collection method: clinical testing. Allele origin: germline. Affected: yes. Observed: 1 variant allele.
Comment: DMXL2: PM2, BP4